The following is an entry in ClinVar:

ClinVar aggregate classification (germline): Uncertain significance (1 of 4 stars; one submission).

Allele frequency attached by ClinVar (database versions not stated): gnomAD exomes 0.00005; ExAC 0.00008; ESP Exome Variant Server 0.00008; gnomAD 0.00011 and 0.00012; TOPMed 0.00011; 1000 Genomes Project 30x 0.00031; 1000 Genomes Project 0.00040.
gnomAD v4.1: 74 of 1,611,032 alleles (0.0046%); highest among the groups gnomAD compares: African/African-American, 0.021%; 1 homozygote.

Submission:

Labcorp Genetics (formerly Invitae), Labcorp
Classification: Uncertain significance. Last evaluated: 2022-10-25. Review status: criteria provided, single submitter. Criteria: Invitae Variant Classification Sherloc (09022015). Collection method: clinical testing. Allele origin: germline.
Comment: This sequence change replaces glycine, which is neutral and non-polar, with serine, which is neutral and polar, at codon 11 of the NDUFS7 protein (p.Gly11Ser). This variant is present in population databases (rs201112782, gnomAD 0.02%). This variant has not been reported in the literature in individuals affected with NDUFS7-related conditions. ClinVar contains an entry for this variant (Variation ID: 1499238). Algorithms developed to predict the effect of missense changes on protein structure and function output the following: SIFT: "Tolerated"; PolyPhen-2: "Benign"; Align-GVGD: "Class C0". The serine amino acid residue is found in multiple mammalian species, which suggests that this missense change does not adversely affect protein function. In summary, the available evidence is currently insufficient to determine the role of this variant in disease. Therefore, it has been classified as a Variant of Uncertain Significance.

NM_024407.5(NDUFS7):c.31G>A (p.Gly11Ser)

Gene: NDUFS7 (NADH:ubiquinone oxidoreductase core subunit S7; plus strand). Cytogenetic location: 19p13.3.
Variant type: single nucleotide variant.
Coding change: c.31G>A on transcript NM_024407.5 (MANE Select); coding-DNA position 31, G replaced by A.
Protein change: p.Gly11Ser; replaces glycine 11 with serine.
Molecular consequence: missense variant.
Genome position (GRCh38, 1-based): chr19:1,387,825, G>A. VCF-style: chr19-1387825-G-A. GRCh37 (hg19) VCF-style: chr19-1387824-G-A.
Other names: c.31G>A, p.Gly11Ser (NM_001363602.2); short protein forms G11S.
Identifiers: ClinVar variation 1499238 (VCV001499238.3), dbSNP rs201112782, ClinGen allele CA9043020.